The following is an entry in ClinVar:

ClinVar aggregate classification (germline): Uncertain significance. Review status: criteria provided, multiple submitters, no conflicts (2 of 4 stars). 2 submissions from 2 submitters: Uncertain significance (2). Last evaluated 2024-04-11.

Conditions:
Hereditary cancer-predisposing syndrome. Also called: Neoplastic Syndromes, Hereditary; Tumor predisposition; Hereditary Cancer Syndrome; Hereditary neoplastic syndrome. Identifiers: Orphanet 140162, MedGen C0027672, MeSH D009386, MONDO:0015356.

Submissions (2):

Ambry Genetics
Classification: Uncertain significance for Hereditary cancer-predisposing syndrome. Last evaluated: 2024-04-11. Review status: criteria provided, single submitter. Criteria: Ambry Variant Classification Scheme 2023. Collection method: clinical testing. Allele origin: germline.
Comment: The p.R337S variant (also known as c.1011G>T), located in coding exon 7 of the RAD50 gene, results from a G to T substitution at nucleotide position 1011. The arginine at codon 337 is replaced by serine, an amino acid with dissimilar properties. This amino acid position is conserved. In addition, this alteration is predicted to be tolerated by in silico analysis. Based on the available evidence, the clinical significance of this variant remains unclear.

Labcorp Genetics (formerly Invitae), Labcorp
Classification: Uncertain significance for Hereditary cancer-predisposing syndrome. Last evaluated: 2023-06-14. Review status: criteria provided, single submitter. Criteria: Invitae Variant Classification Sherloc (09022015). Collection method: clinical testing. Allele origin: germline.
Comment: In summary, the available evidence is currently insufficient to determine the role of this variant in disease. Therefore, it has been classified as a Variant of Uncertain Significance. This sequence change replaces arginine, which is basic and polar, with serine, which is neutral and polar, at codon 337 of the RAD50 protein (p.Arg337Ser). This variant is not present in population databases (gnomAD no frequency). This variant has not been reported in the literature in individuals affected with RAD50-related conditions. Advanced modeling of protein sequence and biophysical properties (such as structural, functional, and spatial information, amino acid conservation, physicochemical variation, residue mobility, and thermodynamic stability) performed at Invitae indicates that this missense variant is not expected to disrupt RAD50 protein function.

NM_005732.4(RAD50):c.1011G>T (p.Arg337Ser)

Gene: RAD50 (RAD50 double strand break repair protein; plus strand). Cytogenetic location: 5q31.1.
Variant type: single nucleotide variant.
Coding change: c.1011G>T on transcript NM_005732.4 (MANE Select); coding-DNA position 1011, G replaced by T.
Protein change: p.Arg337Ser; replaces arginine 337 with serine.
Molecular consequence: missense variant.
Genome position (GRCh38, 1-based): chr5:132,588,049, G>T. VCF-style: chr5-132588049-G-T. GRCh37 (hg19) VCF-style: chr5-131923741-G-T.
Other names: c.1011G>T (NM_005732.3); short protein forms R337S.
Identifiers: ClinVar variation 2712863 (VCV002712863.4), dbSNP rs768156761, ClinGen allele CA360941434.